The following is an entry in ClinVar:

ClinVar aggregate classification (germline): Uncertain significance (1 of 4 stars; one submission).

Conditions:
SEMA3D-related disorder. Also called: SEMA3D-related condition.

gnomAD v4.1: 1 of 1,612,584 alleles (0.000062%); highest among the groups gnomAD compares: Admixed American, 0.0017%; no homozygotes.

Submission:

PreventionGenetics, part of Exact Sciences
Classification: Uncertain significance for SEMA3D-related condition. Last evaluated: 2025-03-26. Review status: criteria provided, single submitter. Criteria: ACMG Guidelines, 2015. Collection method: clinical testing. Allele origin: germline.
Comment: The SEMA3D c.1280T>C variant is predicted to result in the amino acid substitution p.Met427Thr. To our knowledge, this variant has not been reported in the literature. This variant is reported in 0.0029% of alleles in individuals of Latino descent in gnomAD. At this time, the clinical significance of this variant is uncertain due to the absence of conclusive functional and genetic evidence.

NM_001384900.1(SEMA3D):c.1280T>C (p.Met427Thr)

Gene: SEMA3D (semaphorin 3D; minus strand). Cytogenetic location: 7q21.11.
Variant type: single nucleotide variant.
Coding change: c.1280T>C on transcript NM_001384900.1 (MANE Select); coding-DNA position 1280, T replaced by C.
Protein change: p.Met427Thr; replaces methionine 427 with threonine.
Molecular consequence: missense variant.
Genome position (GRCh38, 1-based): chr7:85,022,525, A>G on the plus strand (T>C on the coding strand, the complement: SEMA3D is on the minus strand). VCF-style: chr7-85022525-A-G. GRCh37 (hg19) VCF-style: chr7-84651841-A-G.
Other names: c.1280T>C, p.Met427Thr (NM_001384901.1, NM_001384902.1, NM_001384903.1 and 1 more transcripts); short protein forms M427T.
Identifiers: ClinVar variation 4980716 (VCV004980716.1).